The following is an entry in ClinVar:

ClinVar aggregate classification (germline): Likely pathogenic (1 of 4 stars; one submission).

Conditions:
Fabry disease. Also called: ALPHA-GALACTOSIDASE A DEFICIENCY; ANDERSON-FABRY DISEASE; CERAMIDE TRIHEXOSIDASE DEFICIENCY; GLA DEFICIENCY; HEREDITARY DYSTOPIC LIPIDOSIS; Angiokeratoma corporis diffusum. Identifiers: Orphanet 324, MedGen C0002986, MONDO:0010526, OMIM 301500, HP:0001071. Disease mechanism: Fabry disease is due to inactivating mutations in the X-linked GLA gene resulting in deficiency of the enzyme Alpha Galactosidase-A., loss of function.

Submissions (2):

Genomenon, Inc
Classification: Likely pathogenic for Fabry disease. Last evaluated: 2026-09-08. Review status: criteria provided, single submitter. Criteria: Genomenon Sequence Variant Interpretation Standards - Updated. Collection method: curation. Allele origin: germline. Affected: yes.
Comment: GLA p.Gly147Val (c.440G>T) is a missense variant that changes the amino acid at codon 147 from Glycine to Valine. This variant has been observed in at least one proband with clinical features consistent with Fabry disease (PMID:32843101). The variant was found to segregate with disease in at least one affected family (PMID:32843101). Functional or patient cell studies have been reported (PMID:32843101;33016649). The presence of pathogenic/likely pathogenic missense variant(s) at the same amino acid position indicates that this residue is likely important for protein function. It is absent or not present at a significant frequency in gnomAD. In silico models predict that this variant is possibly or probably damaging. In conclusion, we classify GLA p.Gly147Val (c.440G>T) as a likely pathogenic variant.

Dr. Peter K. Rogan Lab, Western University
No classification provided (evidence only). Condition: Thyroid cancer, nonmedullary, 1. Review status: no classification provided. Collection method: in vitro. Allele origin: not applicable. Functional consequence: retained intron. Not counted in ClinVar's aggregate classification.

Literature cited by the submitters: PubMed 32843101 (cited by Genomenon, Inc); PubMed 33016649 (cited by Genomenon, Inc).

NM_000169.3(GLA):c.440G>T (p.Gly147Val)

Genes: GLA (galactosidase alpha; minus strand), RPL36A-HNRNPH2 (RPL36A-HNRNPH2 readthrough; plus strand). Cytogenetic location: Xq22.1.
Variant type: single nucleotide variant.
Coding change: c.440G>T on transcript NM_000169.3 (MANE Select); coding-DNA position 440, G replaced by T.
Protein change: p.Gly147Val; replaces glycine 147 with valine.
Molecular consequence: missense variant. On other transcripts: non-coding transcript variant (3), intron variant (2).
Genome position (GRCh38, 1-based): chrX:101,401,739, C>A on the plus strand (G>T on the coding strand, the complement: GLA is on the minus strand). VCF-style: chrX-101401739-C-A. GRCh37 (hg19) VCF-style: chrX-100656727-C-A.
Other names: NC_000023.10:g.100656727C>A; c.563G>T, p.Gly188Val (NM_001406747.1, NM_001406749.1); c.440G>T, p.Gly147Val (NM_001406748.1); c.300+6282C>A (NM_001199973.2); c.177+9917C>A (NM_001199974.2); short protein forms G147V, G188V.
Identifiers: ClinVar variation 4087373 (VCV004087373.3).
Genomic context (GRCh38, chrX:101,401,739, plus strand): 5'-AGCAGATCTACTCCCCAGTCAGCAAAGGTCTGGGCATCAATGTCGTAGTATCCAAAACTC[C>A]CAGGGAAGCCTGCGCAGGTTTTATTTCCAACATCTGCATAAATCCCTAGCTTCAGTCCTT-3'
Protein context (NP_000160.1, residues 137-157): VGNKTCAGFP[Gly147Val]SFGYYDIDAQ